The following is an entry in ClinVar:

ClinVar aggregate classification (germline): Likely pathogenic (1 of 4 stars; one submission).

Submission:

GeneDx
Classification: Likely pathogenic. Last evaluated: 2026-07-22. Review status: criteria provided, single submitter. Criteria: GeneDx Variant Classification Process June 2021. Collection method: clinical testing. Allele origin: germline.
Comment: Not observed at significant frequency in large population cohorts (gnomAD); In silico analysis supports that this missense variant has a deleterious effect on protein structure/function; Has not been previously published as pathogenic or benign to our knowledge

NM_003072.5(SMARCA4):c.3166G>A (p.Glu1056Lys)

Gene: SMARCA4 (SWI/SNF related BAF chromatin remodeling complex subunit ATPase 4; plus strand). Cytogenetic location: 19p13.2.
Variant type: single nucleotide variant.
Coding change: c.3166G>A on transcript NM_003072.5 (MANE Select); coding-DNA position 3166, G replaced by A.
Protein change: p.Glu1056Lys; replaces glutamic acid 1056 with lysine.
Molecular consequence: missense variant. On other transcripts: non-coding transcript variant (1).
Genome position (GRCh38, 1-based): chr19:11,025,506, G>A. VCF-style: chr19-11025506-G-A. GRCh37 (hg19) VCF-style: chr19-11136182-G-A.
Other names: c.3166G>A, p.Glu1056Lys (NM_001128844.3, NM_001128845.2, NM_001128846.2 and 5 more transcripts); short protein forms E1056K.
Identifiers: ClinVar variation 1722915 (VCV001722915.5), dbSNP rs267605281, ClinGen allele CA305277101.